The following is an entry in ClinVar:

ClinVar aggregate classification (germline): Uncertain significance (1 of 4 stars; one submission).

Submission:

Ambry Genetics
Classification: Uncertain significance. Last evaluated: 2026-08-31. Review status: criteria provided, single submitter. Criteria: Ambry Variant Classification Scheme 2023. Collection method: clinical testing. Allele origin: germline.
Comment: The p.T1265I variant (also known as c.3794C>T), located in coding exon 16 of the WNK2 gene, results from a C to T substitution at nucleotide position 3794. The threonine at codon 1265 is replaced by isoleucine, an amino acid with similar properties. This amino acid position is conserved. In addition, this alteration is predicted to be tolerated by in silico analysis. Based on the available evidence, the clinical significance of this variant remains unclear.

NM_006648.4(WNK2):c.3794C>T (p.Thr1265Ile)

Gene: WNK2 (WNK lysine deficient protein kinase 2; plus strand). Cytogenetic location: 9q22.31.
Variant type: single nucleotide variant.
Coding change: c.3794C>T on transcript NM_006648.4 (MANE Select); coding-DNA position 3794, C replaced by T.
Protein change: p.Thr1265Ile; replaces threonine 1265 with isoleucine.
Molecular consequence: missense variant.
Genome position (GRCh38, 1-based): chr9:93,267,843, C>T. VCF-style: chr9-93267843-C-T. GRCh37 (hg19) VCF-style: chr9-96030125-C-T.
Other names: c.3794C>T, p.Thr1265Ile (NM_001282394.3); short protein forms T1265I.
Identifiers: ClinVar variation 5031958 (VCV005031958.1).